The following is an entry in ClinVar:

NC_000022.10:g.(?_38516746)_(38525589_?)del

Gene: PLA2G6 (phospholipase A2 group VI; minus strand). Cytogenetic location: 22q13.1.
Variant type: Deletion.
Identifiers: ClinVar variation 3247338 (VCV003247338.1).

ClinVar aggregate classification (germline): Pathogenic (1 of 4 stars; one submission).

Conditions:
Infantile neuroaxonal dystrophy (NBIA2A). Also called: NEURODEGENERATION WITH BRAIN IRON ACCUMULATION 2A; SEITELBERGER DISEASE; Infantile neuroaxonal dystrophy 1. Identifiers: Orphanet 35069, MedGen C0270724, MONDO:0024457, OMIM 256600.

Submission:

Labcorp Genetics (formerly Invitae), Labcorp
Classification: Pathogenic for Infantile neuroaxonal dystrophy. Last evaluated: 2024-01-04. Review status: criteria provided, single submitter. Criteria: Invitae Variant Classification Sherloc (09022015). Collection method: clinical testing. Allele origin: unknown.
Comment: This variant is a gross deletion of the genomic region encompassing exon(s) 8-12 of the PLA2G6 gene. This deletion is out-of-frame, and is expected to create a premature termination codon and result in an absent or disrupted protein product. Loss-of-function variants in PLA2G6 are known to be pathogenic (PMID: 16783378, 18570303, 18799783, 22213678). This variant has not been reported in the literature in individuals affected with PLA2G6-related conditions. For these reasons, this variant has been classified as Pathogenic.

Literature cited by the submitters: PubMed 16783378; PubMed 18570303; PubMed 18799783; PubMed 22213678.